The following is an entry in ClinVar:

NM_145868.2(ANXA11):c.738C>T (p.Tyr246=)

Gene: ANXA11 (annexin A11; minus strand). Cytogenetic location: 10q22.3.
Variant type: single nucleotide variant.
Coding change: c.738C>T on transcript NM_145868.2 (MANE Select); coding-DNA position 738, C replaced by T.
Protein change: p.Tyr246=; no amino-acid change (tyrosine 246 retained).
Molecular consequence: synonymous variant.
Genome position (GRCh38, 1-based): chr10:80,166,896, G>A on the plus strand (C>T on the coding strand, the complement: ANXA11 is on the minus strand). VCF-style: chr10-80166896-G-A. GRCh37 (hg19) VCF-style: chr10-81926652-G-A.
Other names: c.738C>T, p.Tyr246= (NM_001157.3, NM_001278407.2, NM_001278408.2 and 1 more transcripts); c.639C>T, p.Tyr213= (NM_001278409.2).
Identifiers: ClinVar variation 2065903 (VCV002065903.28), dbSNP rs200703403, ClinGen allele CA5576165.
Genomic context (GRCh38, chr10:80,166,896, plus strand): 5'-TGTGCTGAGCCCAGGACACGCCTCACTGTCCCGCGCCCCCACCCCGCAGCTCGCCTTGCC[G>A]TAAGCCGTCTTGAAGGAAAGTAGGATCTGCTGCCGCTGCTTGTTGGAGCGACTCCCCAGG-3'
Protein context (NP_665875.1, residues 236-256): QQILLSFKTA[Tyr246=]GKDLIKDLKS

ClinVar aggregate classification (germline): Likely benign. Review status: criteria provided, multiple submitters, no conflicts (2 of 4 stars). 2 submissions from 2 submitters: Likely benign (2). Last evaluated 2025-09-29.

Allele frequency attached by ClinVar (database versions not stated): TOPMed 0.00006; gnomAD 0.00007; 1000 Genomes Project 30x 0.00016; 1000 Genomes Project 0.00020; ExAC 0.00005.
gnomAD v4.1: 67 of 1,605,016 alleles (0.0042%); highest among the groups gnomAD compares: Admixed American, 0.032%; no homozygotes.

Submissions (2):

Labcorp Genetics (formerly Invitae), Labcorp
Classification: Likely benign. Last evaluated: 2025-09-29. Review status: criteria provided, single submitter. Criteria: Invitae Variant Classification Sherloc (09022015). Collection method: clinical testing. Allele origin: germline.

CeGaT Center for Human Genetics Tuebingen
Classification: Likely benign. Last evaluated: 2022-08-01. Review status: criteria provided, single submitter. Criteria: CeGaT Center For Human Genetics Tuebingen Variant Classification Criteria Version 2. Collection method: clinical testing. Allele origin: germline. Affected: yes. Observed: 1 variant allele.
Comment: ANXA11: BP4, BP7